The following is an entry in ClinVar:

ClinVar aggregate classification (germline): Uncertain significance (1 of 4 stars; one submission).

Submission:

GeneDx
Classification: Uncertain significance. Last evaluated: 2026-03-12. Review status: criteria provided, single submitter. Criteria: GeneDx Variant Classification Process June 2021. Collection method: clinical testing. Allele origin: germline.
Comment: Not observed at significant frequency in large population cohorts (gnomAD); In silico analysis supports that this missense variant has a deleterious effect on protein structure/function; Has not been previously published as pathogenic or benign to our knowledge

NM_000350.3(ABCA4):c.4115A>T (p.Asp1372Val)

Gene: ABCA4 (ATP binding cassette subfamily A member 4; minus strand). Cytogenetic location: 1p22.1.
Variant type: single nucleotide variant.
Coding change: c.4115A>T on transcript NM_000350.3 (MANE Select); coding-DNA position 4115, A replaced by T.
Protein change: p.Asp1372Val; replaces aspartic acid 1372 with valine.
Molecular consequence: missense variant.
Genome position (GRCh38, 1-based): chr1:94,031,791, T>A on the plus strand (A>T on the coding strand, the complement: ABCA4 is on the minus strand). VCF-style: chr1-94031791-T-A. GRCh37 (hg19) VCF-style: chr1-94497347-T-A.
Other names: c.3893A>T, p.Asp1298Val (NM_001425324.1); short protein forms D1298V, D1372V.
Identifiers: ClinVar variation 5008965 (VCV005008965.1).